The following is an entry in ClinVar:

NM_001291303.3(FAT4):c.8573_8574del (p.Thr2858fs)

Gene: FAT4 (FAT atypical cadherin 4; plus strand). Cytogenetic location: 4q28.1.
Variant type: Deletion.
Coding change: c.8573_8574del on transcript NM_001291303.3 (MANE Select); coding-DNA positions 8573 to 8574, 2 bases deleted (CA; older notation c.8573_8574delCA).
Protein change: p.Thr2858fs; shifts the reading frame from threonine 2858.
Molecular consequence: frameshift variant.
Genome position (GRCh38, 1-based): chr4:125,449,583-125,449,584, CA deleted; deleting any 2 consecutive bases within chr4:125,449,582-125,449,584 gives the same sequence; the c. name uses the placement nearest the transcript's 3' end. VCF-style (leftmost placement, unchanged base first): chr4-125449581-TAC-T. GRCh37 (hg19) VCF-style: chr4-126370736-TAC-T.
Other names: c.8573_8574del, p.Thr2858fs (NM_001291285.3); c.8567_8568del, p.Thr2856fs (NM_024582.6); short protein forms T2858fs, T2856fs.
Identifiers: ClinVar variation 1913238 (VCV001913238.5), dbSNP rs2530897266, ClinGen allele CA2580071493.

ClinVar aggregate classification (germline): Pathogenic (1 of 4 stars; one submission).

Submission:

Labcorp Genetics (formerly Invitae), Labcorp
Classification: Pathogenic. Last evaluated: 2022-09-15. Review status: criteria provided, single submitter. Criteria: Invitae Variant Classification Sherloc (09022015). Collection method: clinical testing. Allele origin: germline.
Comment: This variant has not been reported in the literature in individuals affected with FAT4-related conditions. This variant is not present in population databases (gnomAD no frequency). This sequence change creates a premature translational stop signal (p.Thr2856Argfs*11) in the FAT4 gene. It is expected to result in an absent or disrupted protein product. Loss-of-function variants in FAT4 are known to be pathogenic (PMID: 24056717, 24913602). For these reasons, this variant has been classified as Pathogenic.

Literature cited by the submitters: PubMed 24056717; PubMed 24913602.